The following is an entry in ClinVar:

NM_000521.4(HEXB):c.1124del (p.Gly375fs)

Gene: HEXB (hexosaminidase subunit beta; plus strand). Cytogenetic location: 5q13.3.
Variant type: Deletion.
Coding change: c.1124del on transcript NM_000521.4 (MANE Select); coding-DNA position 1124, one base deleted (G; older notation c.1124delG).
Protein change: p.Gly375fs; shifts the reading frame from glycine 375.
Molecular consequence: frameshift variant.
Genome position (GRCh38, 1-based): chr5:74,716,628, G deleted; the last of 2 consecutive G bases (chr5:74,716,627-74,716,628); deleting either gives the same sequence. VCF-style (leftmost placement, unchanged base first): chr5-74716626-AG-A. GRCh37 (hg19) VCF-style: chr5-74012451-AG-A.
Other names: c.449del, p.Gly150fs (NM_001292004.2); short protein forms G150fs, G375fs.
Identifiers: ClinVar variation 5012585 (VCV005012585.1).
Genomic context (GRCh38, chr5:74,716,626, plus strand): 5'-TTTAATCACTTTTTGCTTCAGGGAATCAAATCCAAAAATTCAAGATTTCATGAGGCAAAA[AG>A]GCTTTGGCACAGATTTTAAGAAACTAGAATCTTTCTACATTCAAAAGTAAGTTGTTTGAA-3'

ClinVar aggregate classification (germline): Pathogenic (1 of 4 stars; one submission).

Conditions:
Sandhoff disease. Also called: HEXOSAMINIDASES A AND B DEFICIENCY; Beta-hexosaminidase-beta-subunit deficiency; GM2 gangliosidosis, type 2; Total hexosaminidase deficiency; Sandhoff-Jatzkewitz-Pilz disease; GM2-GANGLIOSIDOSIS, TYPE II. Identifiers: Orphanet 796, MedGen C0036161, MONDO:0010006, OMIM 268800.

Submission:

Myriad Genetics, Inc.
Classification: Pathogenic for Sandhoff disease. Last evaluated: 2023-12-19. Review status: criteria provided, single submitter. Criteria: Myriad Autosomal Dominant, Autosomal Recessive and X-Linked Classification Criteria (2023). Collection method: clinical testing. Allele origin: unknown.
Comment: NM_000521.3(HEXB):c.1124delG(G375Afs*9) is expected to be pathogenic in the context of Sandhoff disease. This variant is predicted to lead to an abnormal or absent protein product due to the creation of a premature termination codon in HEXB, a gene where loss-of-function variants are known to be pathogenic. Please note: this variant was assessed in the context of healthy population screening.